The following is an entry in ClinVar:

NM_001148.6(ANK2):c.6286G>A (p.Val2096Ile)

Genes: ANK2 (ankyrin 2; plus strand), LOC126807136 (MED14-independent group 3 enhancer GRCh37_chr4:114274931-114276130; plus strand). Cytogenetic location: 4q26.
Variant type: single nucleotide variant.
Coding change: c.6286G>A on transcript NM_001148.6 (MANE Select); coding-DNA position 6286, G replaced by A.
Protein change: p.Val2096Ile; replaces valine 2096 with isoleucine.
Molecular consequence: missense variant. On other transcripts: intron variant (68).
Genome position (GRCh38, 1-based): chr4:113,354,904, G>A. VCF-style: chr4-113354904-G-A. GRCh37 (hg19) VCF-style: chr4-114276060-G-A.
Other names: c.6052G>A, p.Val2018Ile (NM_001386142.1); c.2686G>A, p.Val896Ile (NM_001386166.1); c.6427G>A, p.Val2143Ile (NM_001386174.1); c.6403G>A, p.Val2135Ile (NM_001386175.1); c.4411+4655G>A (NM_001386186.2, NM_001386148.2); c.4213+4655G>A (NM_001354269.3); c.4291+4655G>A (NM_001386187.2); c.4252+4655G>A (NM_001386147.1); and 35 more; short protein forms V2096I, V2018I, V2135I, V2143I, V896I.
Identifiers: ClinVar variation 1401226 (VCV001401226.10), dbSNP rs781709192, ClinGen allele CA103813336.

ClinVar aggregate classification (germline): Uncertain significance. Review status: criteria provided, multiple submitters, no conflicts (2 of 4 stars). 2 submissions from 2 submitters: Uncertain significance (2). Last evaluated 2024-01-02.

Conditions:
Cardiovascular phenotype. Identifiers: MedGen CN230736.
Long QT syndrome (LQTS). Identifiers: MedGen C0023976, MeSH D008133, MONDO:0002442. Disease mechanism: loss of function. Inheritance: Various modes of inheritance.

Allele frequency attached by ClinVar (database versions not stated): gnomAD exomes below 0.00001 and 0.00002; TOPMed 0.00001.
gnomAD v4.1: 32 of 1,614,098 alleles (0.002%); highest among the groups gnomAD compares: Non-Finnish European, 0.0025%; no homozygotes.

Submissions (2):

Labcorp Genetics (formerly Invitae), Labcorp
Classification: Uncertain significance for Long QT syndrome. Last evaluated: 2024-01-02. Review status: criteria provided, single submitter. Criteria: Invitae Variant Classification Sherloc (09022015). Collection method: clinical testing. Allele origin: germline.
Comment: This sequence change replaces valine, which is neutral and non-polar, with isoleucine, which is neutral and non-polar, at codon 2096 of the ANK2 protein (p.Val2096Ile). This variant is present in population databases (rs781709192, gnomAD 0.003%). This variant has not been reported in the literature in individuals affected with ANK2-related conditions. ClinVar contains an entry for this variant (Variation ID: 1401226). Algorithms developed to predict the effect of missense changes on protein structure and function output the following: SIFT: "Not Available"; PolyPhen-2: "Benign"; Align-GVGD: "Not Available". The isoleucine amino acid residue is found in multiple mammalian species, which suggests that this missense change does not adversely affect protein function. In summary, the available evidence is currently insufficient to determine the role of this variant in disease. Therefore, it has been classified as a Variant of Uncertain Significance.

Ambry Genetics
Classification: Uncertain significance for Cardiovascular phenotype. Last evaluated: 2022-03-04. Review status: criteria provided, single submitter. Criteria: Ambry Variant Classification Scheme 2023. Collection method: clinical testing. Allele origin: germline.
Comment: The p.V2096I variant (also known as c.6286G>A), located in coding exon 38 of the ANK2 gene, results from a G to A substitution at nucleotide position 6286. The valine at codon 2096 is replaced by isoleucine, an amino acid with highly similar properties. This amino acid position is conserved. In addition, this alteration is predicted to be tolerated by in silico analysis. Since supporting evidence is limited at this time, the clinical significance of this alteration remains unclear.